The following is an entry in ClinVar:

NM_000540.3(RYR1):c.2577+4C>T

Gene: RYR1 (ryanodine receptor 1; plus strand). Cytogenetic location: 19q13.2.
Variant type: single nucleotide variant.
Coding change: c.2577+4C>T on transcript NM_000540.3 (MANE Select); 4 bases into the intron after coding-DNA position 2577, C replaced by T.
Molecular consequence: intron variant.
Genome position (GRCh38, 1-based): chr19:38,460,595, C>T. VCF-style: chr19-38460595-C-T. GRCh37 (hg19) VCF-style: chr19-38951235-C-T.
Other names: c.2577+4C>T (NM_001042723.2).
Identifiers: ClinVar variation 3029383 (VCV003029383.3), dbSNP rs749515044, ClinGen allele CA063504.

ClinVar aggregate classification (germline): Uncertain significance. Review status: criteria provided, single submitter (1 of 4 stars). 2 submissions from 2 submitters: Uncertain significance (1). 1 of the submissions does not count toward it. Last evaluated 2023-08-15.

Conditions:
Malignant hyperthermia, susceptibility to, 1 (MHS1). Also called: Anesthesia related hyperthermia; Malignant hyperpyrexia; Fulminating hyperpyrexia; Pharmacogenic myopathy; RYR1-Related Malignant Hyperthermia Susceptibility; Malignant hyperthermia suceptibility 1. Identifiers: Orphanet 423, MedGen C2930980, MONDO:0007783, OMIM 145600.
RYR1-related disorder. Also called: RYR1-related disorders; RYR1-related condition. Identifiers: MedGen CN239331.

Allele frequency attached by ClinVar (database versions not stated): ExAC 0.00001; gnomAD exomes 0.00001; TOPMed 0.00001.
gnomAD v4.1: 8 of 1,608,772 alleles (0.0005%); highest among the groups gnomAD compares: East Asian, 0.018%; no homozygotes.

Submissions (2):

All of Us Research Program, National Institutes of Health
Classification: Uncertain significance for Malignant hyperthermia, susceptibility to, 1. Last evaluated: 2023-08-15. Review status: criteria provided, single submitter. Criteria: ACMG Guidelines, 2015. Collection method: clinical testing. Allele origin: germline. Inheritance: Autosomal dominant inheritance. Observed: 1 variant allele, 1 heterozygote.
Comment: This variant causes a C to T nucleotide substitution at the +4 position of intron 20 of the RYR1 gene. To our knowledge, functional studies have not been reported for this variant. This variant has not been reported in individuals affected with RYR1-related disorders in the literature. This variant has been identified in 2/245994 chromosomes in the general population by the Genome Aggregation Database (gnomAD). The available evidence is insufficient to determine the role of this variant in disease conclusively. Therefore, this variant is classified as a Variant of Uncertain Significance.

This study involves interpretation of variants in research participants for the purpose of population health screening. Participant phenotype was not available at the time of variant classification. Additional details can be found in publication PMID: 35346344, PMCID: PMC8962531

PreventionGenetics, part of Exact Sciences
Classification: Likely benign for RYR1-related condition. Last evaluated: 2021-09-09. Review status: no assertion criteria provided. Collection method: clinical testing. Allele origin: germline. Not counted in ClinVar's aggregate classification.
Comment: This variant is classified as likely benign based on ACMG/AMP sequence variant interpretation guidelines (Richards et al. 2015 PMID: 25741868, with internal and published modifications).